The following is an entry in ClinVar:

NM_003136.4(SRP54):c.1191T>C (p.Ser397=)

Gene: SRP54 (signal recognition particle 54; plus strand). Cytogenetic location: 14q13.2.
Variant type: single nucleotide variant.
Coding change: c.1191T>C on transcript NM_003136.4 (MANE Select); coding-DNA position 1191, T replaced by C.
Protein change: p.Ser397=; no amino-acid change (serine 397 retained).
Molecular consequence: synonymous variant.
Genome position (GRCh38, 1-based): chr14:35,022,944, T>C. VCF-style: chr14-35022944-T-C. GRCh37 (hg19) VCF-style: chr14-35492150-T-C.
Other names: c.1191T>C (NM_003136.3); c.1044T>C, p.Ser348= (NM_001146282.2).
Identifiers: ClinVar variation 1537938 (VCV001537938.11), dbSNP rs200155234, ClinGen allele CA7153805.
Genomic context (GRCh38, chr14:35,022,944, plus strand): 5'-GTGAGAGTAACTGACCTTGTCTACAGAACTAGACAGTACGGATGGTGCCAAAGTTTTTAG[T>C]AAACAACCAGGAAGAATCCAAAGAGTAGCAAGAGGATCGGGTGTATCAACAAGAGATGTT-3'
Protein context (NP_003127.1, residues 387-407): LDSTDGAKVF[Ser397=]KQPGRIQRVA

ClinVar aggregate classification (germline): Benign/Likely benign. Review status: criteria provided, multiple submitters, no conflicts (2 of 4 stars). 3 submissions from 3 submitters: Benign (1); Likely benign (1). 1 of the submissions does not count toward it. Last evaluated 2026-01-21.

Conditions:
SRP54-related disorder. Also called: SRP54-related condition.

Allele frequency attached by ClinVar (database versions not stated): gnomAD exomes 0.00002 and 0.00012; gnomAD 0.00004 and 0.00007; TOPMed 0.00004; ExAC 0.00009; 1000 Genomes Project 0.00100; 1000 Genomes Project 30x 0.00109.
gnomAD v4.1: 57 of 1,613,868 alleles (0.0035%); highest among the groups gnomAD compares: East Asian, 0.098%; no homozygotes.

Submissions (3):

Labcorp Genetics (formerly Invitae), Labcorp
Classification: Benign. Last evaluated: 2026-01-21. Review status: criteria provided, single submitter. Criteria: Invitae Variant Classification Sherloc (09022015). Collection method: clinical testing. Allele origin: germline.

Blueprint Genetics
Classification: Likely benign. Last evaluated: 2023-09-05. Review status: criteria provided, single submitter. Criteria: ACMG Guidelines, 2015. Collection method: clinical testing. Allele origin: germline.

PreventionGenetics, part of Exact Sciences
Classification: Likely benign for SRP54-related condition. Last evaluated: 2023-02-21. Review status: no assertion criteria provided. Collection method: clinical testing. Allele origin: germline. Not counted in ClinVar's aggregate classification.
Comment: This variant is classified as likely benign based on ACMG/AMP sequence variant interpretation guidelines (Richards et al. 2015 PMID: 25741868, with internal and published modifications).